The following is an entry in ClinVar:

ClinVar aggregate classification (germline): Uncertain significance (1 of 4 stars; one submission).

Allele frequency attached by ClinVar (database versions not stated): TOPMed below 0.00001.

Submission:

GeneDx
Classification: Uncertain significance. Last evaluated: 2023-06-08. Review status: criteria provided, single submitter. Criteria: GeneDx Variant Classification Process June 2021. Collection method: clinical testing. Allele origin: germline. Affected: yes.
Comment: Not observed at significant frequency in large population cohorts (gnomAD); In silico analysis supports that this missense variant has a deleterious effect on protein structure/function; Has not been previously published as pathogenic or benign to our knowledge

NM_005068.3(SIM1):c.526A>G (p.Thr176Ala)

Gene: SIM1 (SIM bHLH transcription factor 1; minus strand). Cytogenetic location: 6q16.3.
Variant type: single nucleotide variant.
Coding change: c.526A>G on transcript NM_005068.3 (MANE Select); coding-DNA position 526, A replaced by G.
Protein change: p.Thr176Ala; replaces threonine 176 with alanine.
Molecular consequence: missense variant.
Genome position (GRCh38, 1-based): chr6:100,449,380, T>C on the plus strand (A>G on the coding strand, the complement: SIM1 is on the minus strand). VCF-style: chr6-100449380-T-C. GRCh37 (hg19) VCF-style: chr6-100897256-T-C.
Other names: c.526A>G, p.Thr176Ala (NM_001374769.1); short protein forms T176A.
Identifiers: ClinVar variation 1308925 (VCV001308925.3), dbSNP rs1485314202, ClinGen allele CA365125928.